The following is an entry in ClinVar:

ClinVar aggregate classification (germline): Uncertain significance (1 of 4 stars; one submission).

Submission:

Labcorp Genetics (formerly Invitae), Labcorp
Classification: Uncertain significance. Last evaluated: 2020-08-10. Review status: criteria provided, single submitter. Criteria: Invitae Variant Classification Sherloc (09022015). Collection method: clinical testing. Allele origin: germline.
Comment: This variant has not been reported in the literature in individuals with POLE-related conditions. This variant is not present in population databases (ExAC no frequency). This sequence change replaces glutamine with leucine at codon 384 of the POLE protein (p.Gln384Leu). The glutamine residue is weakly conserved and there is a moderate physicochemical difference between glutamine and leucine. Algorithms developed to predict the effect of missense changes on protein structure and function (SIFT, PolyPhen-2, Align-GVGD) all suggest that this variant is likely to be tolerated, but these predictions have not been confirmed by published functional studies and their clinical significance is uncertain. In summary, the available evidence is currently insufficient to determine the role of this variant in disease. Therefore, it has been classified as a Variant of Uncertain Significance.

NM_006231.4(POLE):c.1151A>T (p.Gln384Leu)

Gene: POLE (DNA polymerase epsilon, catalytic subunit; minus strand). Cytogenetic location: 12q24.33.
Variant type: single nucleotide variant.
Coding change: c.1151A>T on transcript NM_006231.4 (MANE Select); coding-DNA position 1151, A replaced by T.
Protein change: p.Gln384Leu; replaces glutamine 384 with leucine.
Molecular consequence: missense variant.
Genome position (GRCh38, 1-based): chr12:132,675,473, T>A on the plus strand (A>T on the coding strand, the complement: POLE is on the minus strand). VCF-style: chr12-132675473-T-A. GRCh37 (hg19) VCF-style: chr12-133252059-T-A.
Other names: short protein forms Q384L.
Identifiers: ClinVar variation 1025435 (VCV001025435.8), dbSNP rs1565975180, ClinGen allele CA387361016.
Genomic context (GRCh38, chr12:132,675,473, plus strand): 5'-TGGATGCACTGGGGCGCCTTGTACTCCCCCTGGCTGTCCTTCTGGAAGCCTATCTCCTGC[T>A]GCATGCTCAGACCGTGGACTGCTGCCCGGGCCTCCACAAATGGCCTGGGTTGGAAAGAGG-3'
Protein context (NP_006222.2, residues 374-394): ARAAVHGLSM[Gln384Leu]QEIGFQKDSQ